The following is an entry in ClinVar:

NM_003060.4(SLC22A5):c.824+1G>A

Gene: SLC22A5 (solute carrier family 22 member 5; plus strand). Cytogenetic location: 5q31.1.
Variant type: single nucleotide variant.
Coding change: c.824+1G>A on transcript NM_003060.4 (MANE Select); the canonical splice donor site of the intron after coding-DNA position 824, G replaced by A.
Molecular consequence: splice donor variant.
Genome position (GRCh38, 1-based): chr5:132,385,500, G>A. VCF-style: chr5-132385500-G-A. GRCh37 (hg19) VCF-style: chr5-131721192-G-A.
Other names: c.896+1G>A (NM_001308122.2).
Identifiers: ClinVar variation 943964 (VCV000943964.8), dbSNP rs1417000465, ClinGen allele CA360805289.

ClinVar aggregate classification (germline): Likely pathogenic (1 of 4 stars; one submission).

Conditions:
Renal carnitine transport defect (CDSP). Also called: Primary carnitine deficiency; CARNITINE DEFICIENCY, SYSTEMIC, DUE TO DEFECT IN RENAL REABSORPTION OF CARNITINE; CARNITINE TRANSPORTER, PLASMA-MEMBRANE, DEFICIENCY OF; CARNITINE UPTAKE DEFECT; Carnitine Deficiency, Systemic; Systemic primary carnitine deficiency. Identifiers: Orphanet 158, MedGen C0342788, MONDO:0008919, OMIM 212140.

Allele frequency attached by ClinVar (database versions not stated): gnomAD exomes below 0.00001.
gnomAD v4.1: 1 of 1,614,032 alleles (0.000062%); highest among the groups gnomAD compares: Non-Finnish European, 0.000085%; no homozygotes.

Submission:

Labcorp Genetics (formerly Invitae), Labcorp
Classification: Likely pathogenic for Renal carnitine transport defect. Last evaluated: 2019-07-10. Review status: criteria provided, single submitter. Criteria: Invitae Variant Classification Sherloc (09022015). Collection method: clinical testing. Allele origin: germline.
Comment: This variant has not been reported in the literature in individuals with SLC22A5-related conditions. Algorithms developed to predict the effect of sequence changes on RNA splicing suggest that this variant may disrupt the consensus splice site, but this prediction has not been confirmed by published transcriptional studies. This variant is not present in population databases (ExAC no frequency). In summary, the currently available evidence indicates that the variant is pathogenic, but additional data are needed to prove that conclusively. Therefore, this variant has been classified as Likely Pathogenic. Donor and acceptor splice site variants typically lead to a loss of protein function (PMID: 16199547), and loss-of-function variants in SLC22A5 are known to be pathogenic (PMID: 9916797). This sequence change affects a donor splice site in intron 4 of the SLC22A5 gene. It is expected to disrupt RNA splicing and likely results in an absent or disrupted protein product.

Literature cited by the submitters: PubMed 16199547; PubMed 9916797.